The following is an entry in ClinVar:

NM_014423.4(AFF4):c.3230C>T (p.Ser1077Phe)

Gene: AFF4 (ALF transcription elongation factor 4; minus strand). Cytogenetic location: 5q31.1.
Variant type: single nucleotide variant.
Coding change: c.3230C>T on transcript NM_014423.4 (MANE Select); coding-DNA position 3230, C replaced by T.
Protein change: p.Ser1077Phe; replaces serine 1077 with phenylalanine.
Molecular consequence: missense variant.
Genome position (GRCh38, 1-based): chr5:132,883,474, G>A on the plus strand (C>T on the coding strand, the complement: AFF4 is on the minus strand). VCF-style: chr5-132883474-G-A. GRCh37 (hg19) VCF-style: chr5-132219166-G-A.
Other names: short protein forms S1077F.
Identifiers: ClinVar variation 2634428 (VCV002634428.1), dbSNP rs1760037891, ClinGen allele CA360967310.

ClinVar aggregate classification (germline): Uncertain significance (1 of 4 stars; one submission).

Conditions:
AFF4-related disorder. Also called: AFF4-related condition.

Allele frequency attached by ClinVar (database versions not stated): gnomAD 0.00001; TOPMed 0.00002.
gnomAD v4.1: 1 of 1,613,956 alleles (0.000062%); highest among the groups gnomAD compares: African/African-American, 0.0013%; no homozygotes.

Submission:

PreventionGenetics, part of Exact Sciences
Classification: Uncertain significance for AFF4-related condition. Last evaluated: 2023-08-11. Review status: criteria provided, single submitter. Criteria: ACMG Guidelines, 2015. Collection method: clinical testing. Allele origin: germline.
Comment: The AFF4 c.3230C>T variant is predicted to result in the amino acid substitution p.Ser1077Phe. To our knowledge, this variant has not been reported in the literature or in a large population database, indicating this variant is rare. At this time, the clinical significance of this variant is uncertain due to the absence of conclusive functional and genetic evidence.